The following is an entry in ClinVar:

ClinVar aggregate classification (germline): Uncertain significance (1 of 4 stars; one submission).

Conditions:
Asphyxiating thoracic dystrophy 3. Also called: SHORT-RIB THORACIC DYSPLASIA 3 WITH OR WITHOUT POLYDACTYLY; POLYDACTYLY WITH NEONATAL CHONDRODYSTROPHY, TYPE I; SHORT-RIB THORACIC DYSPLASIA 3/6 WITH POLYDACTYLY, DIGENIC; Short rib polydactyly syndrome 2B; Saldino-Noonan Syndrome. Identifiers: Orphanet 474, Orphanet 93269, Orphanet 93270, Orphanet 93271, MedGen C0036069, MONDO:0013127, OMIM 613091.

Submission:

Myriad Genetics, Inc.
Classification: Uncertain significance for Asphyxiating thoracic dystrophy 3. Last evaluated: 2025-09-12. Review status: criteria provided, single submitter. Criteria: Myriad Autosomal Dominant, Autosomal Recessive and X-Linked Classification Criteria (2023). Collection method: clinical testing. Allele origin: unknown.
Comment: NM_001377.2(DYNC2H1):c.10281_10283dupAGA(E3427dup) is an in-frame insertion classified as a variant of uncertain significance in the context of DYNC2H1-related disorders. E3427dup has not been observed in cases with relevant disease. Relevant functional assessments of this variant are not available in the literature. E3427dup has not been observed in referenced population frequency databases. In summary, there is insufficient evidence to classify NM_001377.2(DYNC2H1):c.10281_10283dupAGA(E3427dup) as pathogenic or benign. Please note: this variant was assessed in the context of healthy population screening.

NM_001377.3(DYNC2H1):c.10278AGA[3] (p.Glu3427_Asp3428insGlu)

Gene: DYNC2H1 (dynein cytoplasmic 2 heavy chain 1; plus strand). Cytogenetic location: 11q22.3.
Variant type: Microsatellite.
Coding change: c.10278AGA[3] on transcript NM_001377.3 (MANE Select); three copies in a row of the 3-base unit AGA starting at c.10278; the reference has two copies in a row; one copy, 3 bases duplicated.
Protein change: p.Glu3427_Asp3428insGlu.
Molecular consequence: inframe insertion.
Genome position (GRCh38, 1-based): chr11:103,255,489-103,255,491, AGA duplicated; duplicating any 3 consecutive bases within chr11:103,255,484-103,255,491 gives the same sequence; the position shown is the placement nearest the transcript's 3' end. VCF-style (leftmost placement, unchanged base first): chr11-103255483-G-GGAA. GRCh37 (hg19) VCF-style: chr11-103126212-G-GGAA.
Other names: c.10299AGA[3], p.Glu3434_Asp3435insGlu (NM_001080463.2).
Identifiers: ClinVar variation 5004166 (VCV005004166.1).
Genomic context (GRCh38, chr11:103,255,483, plus strand): 5'-TTTAACCATTCAGCATGAGAAACCTGATTTAGAAGAACAGAAAACAAAACTATTACAACA[G>GGAA]GAAGAAGATAAGAAAATACAGCTAGCCAAGCTCGAAGAATCTCTTCTAGAGGTAAAAGTC-3'